The following is an entry in ClinVar:

ClinVar aggregate classification (germline): Uncertain significance (1 of 4 stars; one submission).

Submission:

GeneDx
Classification: Uncertain significance. Last evaluated: 2024-02-22. Review status: criteria provided, single submitter. Criteria: GeneDx Variant Classification Process June 2021. Collection method: clinical testing. Allele origin: germline. Affected: yes.
Comment: Not observed at significant frequency in large population cohorts (gnomAD); In silico analysis supports that this missense variant has a deleterious effect on protein structure/function; Has not been previously published as pathogenic or benign to our knowledge

NM_004699.4(FAM50A):c.976C>T (p.Pro326Ser)

Gene: FAM50A (family with sequence similarity 50 member A; plus strand). Cytogenetic location: Xq28.
Variant type: single nucleotide variant.
Coding change: c.976C>T on transcript NM_004699.4 (MANE Select); coding-DNA position 976, C replaced by T.
Protein change: p.Pro326Ser; replaces proline 326 with serine.
Molecular consequence: missense variant.
Genome position (GRCh38, 1-based): chrX:154,450,284, C>T. VCF-style: chrX-154450284-C-T. GRCh37 (hg19) VCF-style: chrX-153678632-C-T.
Other names: short protein forms P326S.
Identifiers: ClinVar variation 3369463 (VCV003369463.1).